The following is an entry in ClinVar:

ClinVar aggregate classification (germline): Conflicting classifications of pathogenicity. Review status: criteria provided, conflicting classifications (1 of 4 stars). 4 submissions from 3 submitters: Uncertain significance (2); Benign (1). 1 of the submissions does not count toward it. Last evaluated 2025-08-13.

Conditions:
LAMB2-related infantile-onset nephrotic syndrome. Also called: NEPHROTIC SYNDROME, TYPE 5, WITHOUT OCULAR ABNORMALITIES; NEPHROTIC SYNDROME, TYPE 5, WITH OCULAR ABNORMALITIES; Nephrotic Syndrome, type 5. Identifiers: Orphanet 306507, MedGen C3280113, MONDO:0013621, OMIM 614199.
Pierson syndrome. Also called: MICROCORIA-CONGENITAL NEPHROTIC SYNDROME. Identifiers: Orphanet 2670, MedGen C1836876, MONDO:0012184, OMIM 609049.
LAMB2-related disorder. Also called: LAMB2-related condition.

Allele frequency attached by ClinVar (database versions not stated): gnomAD exomes 0.00004 and 0.00020; gnomAD 0.00006 and 0.00008; TOPMed 0.00011; ExAC 0.00021; 1000 Genomes Project 30x 0.00062; 1000 Genomes Project 0.00080.
gnomAD v4.1: 80 of 1,613,658 alleles (0.005%); highest among the groups gnomAD compares: East Asian, 0.1%; 1 homozygote.

Submissions (4):

Labcorp Genetics (formerly Invitae), Labcorp
Classification: Benign for LAMB2-related infantile-onset nephrotic syndrome; Pierson syndrome. Last evaluated: 2025-08-13. Review status: criteria provided, single submitter. Criteria: Invitae Variant Classification Sherloc (09022015). Collection method: clinical testing. Allele origin: germline.

Illumina Laboratory Services, Illumina
Classification: Uncertain significance for LAMB2-related infantile-onset nephrotic syndrome. Last evaluated: 2018-01-13. Review status: criteria provided, single submitter. Criteria: ICSL Variant Classification Criteria 13 December 2019. Collection method: clinical testing. Allele origin: germline.

Illumina Laboratory Services, Illumina
Classification: Uncertain significance for Pierson syndrome. Last evaluated: 2018-01-13. Review status: criteria provided, single submitter. Criteria: ICSL Variant Classification Criteria 13 December 2019. Collection method: clinical testing. Allele origin: germline.

PreventionGenetics, part of Exact Sciences
Classification: Likely benign for LAMB2-related condition. Last evaluated: 2022-12-21. Review status: no assertion criteria provided. Collection method: clinical testing. Allele origin: germline. Not counted in ClinVar's aggregate classification.
Comment: This variant is classified as likely benign based on ACMG/AMP sequence variant interpretation guidelines (Richards et al. 2015 PMID: 25741868, with internal and published modifications).

NM_002292.4(LAMB2):c.3498A>G (p.Pro1166=)

Gene: LAMB2 (laminin subunit beta 2; minus strand). Cytogenetic location: 3p21.31.
Variant type: single nucleotide variant.
Coding change: c.3498A>G on transcript NM_002292.4 (MANE Select); coding-DNA position 3498, A replaced by G.
Protein change: p.Pro1166=; no amino-acid change (proline 1166 retained).
Molecular consequence: synonymous variant.
Genome position (GRCh38, 1-based): chr3:49,124,027, T>C on the plus strand (A>G on the coding strand, the complement: LAMB2 is on the minus strand). VCF-style: chr3-49124027-T-C. GRCh37 (hg19) VCF-style: chr3-49161460-T-C.
Identifiers: ClinVar variation 900289 (VCV000900289.13), dbSNP rs186771094, ClinGen allele CA2394026.